The following is an entry in ClinVar:

ClinVar aggregate classification (germline): Uncertain significance (1 of 4 stars; one submission).

Conditions:
Desbuquois dysplasia 1 (DBQD1). Also called: DESBUQUOIS DYSPLASIA 1, KIM VARIANT; MICROMELIC DWARFISM WITH VERTEBRAL AND METAPHYSEAL ABNORMALITIES AND ADVANCED CARPOTARSAL OSSIFICATION. Identifiers: Orphanet 1425, MedGen C4012146, MONDO:0009629, OMIM 251450.

Allele frequency attached by ClinVar (database versions not stated): ExAC 0.00001; gnomAD exomes 0.00001 and 0.00002; TOPMed 0.00001; gnomAD 0.00002.
gnomAD v4.1: 19 of 1,614,048 alleles (0.0012%); highest among the groups gnomAD compares: African/African-American, 0.0053%; no homozygotes.

Submission:

Labcorp Genetics (formerly Invitae), Labcorp
Classification: Uncertain significance for Desbuquois dysplasia 1. Last evaluated: 2020-02-06. Review status: criteria provided, single submitter. Criteria: Invitae Variant Classification Sherloc (09022015). Collection method: clinical testing. Allele origin: germline.
Comment: In summary, the available evidence is currently insufficient to determine the role of this variant in disease. Therefore, it has been classified as a Variant of Uncertain Significance. Algorithms developed to predict the effect of missense changes on protein structure and function are either unavailable or do not agree on the potential impact of this missense change (SIFT: "Deleterious"; PolyPhen-2: "Probably Damaging"; Align-GVGD: "Class C15"). This variant has not been reported in the literature in individuals with XYLT1-related conditions. This variant is present in population databases (rs750411891, ExAC 0.01%). This sequence change replaces aspartic acid with asparagine at codon 646 of the XYLT1 protein (p.Asp646Asn). The aspartic acid residue is highly conserved and there is a small physicochemical difference between aspartic acid and asparagine.

NM_022166.4(XYLT1):c.1936G>A (p.Asp646Asn)

Genes: XYLT1 (xylosyltransferase 1; minus strand), LOC102723692 (uncharacterized LOC102723692; plus strand). Cytogenetic location: 16p12.3.
Variant type: single nucleotide variant.
Coding change: c.1936G>A on transcript NM_022166.4 (MANE Select); coding-DNA position 1936, G replaced by A.
Protein change: p.Asp646Asn; replaces aspartic acid 646 with asparagine.
Molecular consequence: missense variant.
Genome position (GRCh38, 1-based): chr16:17,134,564, C>T on the plus strand (G>A on the coding strand, the complement: XYLT1 is on the minus strand). VCF-style: chr16-17134564-C-T. GRCh37 (hg19) VCF-style: chr16-17228421-C-T.
Other names: short protein forms D646N.
Identifiers: ClinVar variation 1056276 (VCV001056276.9), dbSNP rs750411891, ClinGen allele CA7927727.